The following is an entry in ClinVar:

ClinVar aggregate classification (germline): Likely benign. Review status: reviewed by expert panel (3 of 4 stars). 4 submissions from 4 submitters: Likely benign (1). 3 of the submissions do not count toward it. Last evaluated 2017-06-29.

Conditions:
Hereditary cancer-predisposing syndrome. Also called: Tumor predisposition; Hereditary Cancer Syndrome; Neoplastic Syndromes, Hereditary; Hereditary neoplastic syndrome. Identifiers: Orphanet 140162, MedGen C0027672, MeSH D009386, MONDO:0015356.
Hereditary breast ovarian cancer syndrome. Also called: Hereditary breast and/or ovarian cancer syndrome; BRCA1- and BRCA2-Associated Hereditary Breast and Ovarian Cancer; Hereditary breast and ovarian cancer; Hereditary breast and ovarian cancer syndrome (HBOC); Breast and ovarian cancer; Hereditary breast and ovarian cancer syndrome. Identifiers: Orphanet 145, MedGen C0677776, MeSH D061325, MONDO:0003582. Disease mechanism: loss of function.
Breast-ovarian cancer, familial, susceptibility to, 2 (BROVCA2). Also called: BRCA2 Hereditary Breast and Ovarian Cancer. Identifiers: Orphanet 145, MedGen C2675520, MONDO:0012933, OMIM 612555. Disease mechanism: loss of function.

Allele frequency attached by ClinVar (database versions not stated): gnomAD 0.00001.
gnomAD v4.1: 3 of 1,613,488 alleles (0.00019%); highest among the groups gnomAD compares: Non-Finnish European, 0.00025%; no homozygotes.

Submissions (4):

Evidence-based Network for the Interpretation of Germline Mutant Alleles (ENIGMA)
Classification: Likely benign for Breast-ovarian cancer, familial, susceptibility to, 2. Last evaluated: 2017-06-29. Review status: reviewed by expert panel. Criteria: ENIGMA BRCA1/2 Classification Criteria (2017-06-29). Collection method: curation. Allele origin: germline.
Comment: Synonymous substitution variant, with low bioinformatic likelihood to result in a splicing aberration (Splicing prior probability 0.02).

Labcorp Genetics (formerly Invitae), Labcorp
Classification: Likely benign for Hereditary breast ovarian cancer syndrome. Last evaluated: 2024-08-07. Review status: criteria provided, single submitter. Criteria: Invitae Variant Classification Sherloc (09022015). Collection method: clinical testing. Allele origin: germline. Not counted in ClinVar's aggregate classification.

ARUP Laboratories, Molecular Genetics and Genomics, ARUP Laboratories
Classification: Likely benign. Last evaluated: 2024-07-26. Review status: criteria provided, single submitter. Criteria: ARUP Molecular Germline Variant Investigation Process 2024. Collection method: clinical testing. Allele origin: germline. Not counted in ClinVar's aggregate classification.

Ambry Genetics
Classification: Likely benign for Hereditary cancer-predisposing syndrome. Last evaluated: 2016-03-09. Review status: criteria provided, single submitter. Criteria: Ambry Variant Classification Scheme 2023. Collection method: clinical testing. Allele origin: germline. Not counted in ClinVar's aggregate classification.

NM_000059.4(BRCA2):c.222G>C (p.Leu74=)

Gene: BRCA2 (BRCA2 DNA repair associated; plus strand). Cytogenetic location: 13q13.1.
Variant type: single nucleotide variant.
Coding change: c.222G>C on transcript NM_000059.4 (MANE Select); coding-DNA position 222, G replaced by C.
Protein change: p.Leu74=; no amino-acid change (leucine 74 retained).
Molecular consequence: synonymous variant.
Genome position (GRCh38, 1-based): chr13:32,319,231, G>C. VCF-style: chr13-32319231-G-C. GRCh37 (hg19) VCF-style: chr13-32893368-G-C.
Identifiers: ClinVar variation 215601 (VCV000215601.19), dbSNP rs863224303, ClinGen allele CA336954.